The following is an entry in ClinVar:

NM_006642.5(SDCCAG8):c.511G>T (p.Glu171Ter)

Gene: SDCCAG8 (SHH signaling and ciliogenesis regulator SDCCAG8; plus strand). Cytogenetic location: 1q43.
Variant type: single nucleotide variant.
Coding change: c.511G>T on transcript NM_006642.5 (MANE Select); coding-DNA position 511, G replaced by T.
Protein change: p.Glu171Ter; replaces glutamic acid 171 with a stop codon.
Molecular consequence: nonsense. On other transcripts: 5 prime UTR variant (3).
Genome position (GRCh38, 1-based): chr1:243,286,362, G>T. VCF-style: chr1-243286362-G-T. GRCh37 (hg19) VCF-style: chr1-243449664-G-T.
Other names: c.-602G>T (NM_001350246.2); c.-490G>T (NM_001350247.2); c.511G>T, p.Glu171Ter (NM_001350248.2); c.217G>T, p.Glu73Ter (NM_001350249.2); c.-863G>T (NM_001350251.2); short protein forms E171*, E73*.
Identifiers: ClinVar variation 3350620 (VCV003350620.5).

ClinVar aggregate classification (germline): Pathogenic/Likely pathogenic. Review status: criteria provided, multiple submitters, no conflicts (2 of 4 stars). 3 submissions from 3 submitters: Pathogenic (1); Likely pathogenic (1). 1 of the submissions does not count toward it. Last evaluated 2026-02-23.

Conditions:
Senior-Loken syndrome 7 (SLSN7). Identifiers: Orphanet 3156, MedGen C3150877, MONDO:0013326, OMIM 613615.
Bardet-Biedl syndrome 16 (BBS16). Identifiers: Orphanet 110, MedGen C3889474, MONDO:0014444, OMIM 615993.
SDCCAG8-related disorder. Also called: SDCCAG8-Related Disorders; SDCCAG8-related condition.

gnomAD v4.1: 4 of 1,613,898 alleles (0.00025%); highest among the groups gnomAD compares: Non-Finnish European, 0.00034%; no homozygotes.

Submissions (3):

GeneDx
Classification: Likely pathogenic. Last evaluated: 2026-02-23. Review status: criteria provided, single submitter. Criteria: GeneDx Variant Classification Process June 2021. Collection method: clinical testing. Allele origin: germline.
Comment: Nonsense variant predicted to result in protein truncation or nonsense mediated decay in a gene for which loss of function is a known mechanism of disease; Not observed at significant frequency in large population cohorts (gnomAD); Has not been previously published as pathogenic or benign to our knowledge

Labcorp Genetics (formerly Invitae), Labcorp
Classification: Pathogenic for Bardet-Biedl syndrome 16; Senior-Loken syndrome 7. Last evaluated: 2024-11-15. Review status: criteria provided, single submitter. Criteria: Invitae Variant Classification Sherloc (09022015). Collection method: clinical testing. Allele origin: germline.
Comment: This sequence change creates a premature translational stop signal (p.Glu171*) in the SDCCAG8 gene. It is expected to result in an absent or disrupted protein product. Loss-of-function variants in SDCCAG8 are known to be pathogenic (PMID: 20835237, 22190896). The frequency data for this variant in the population databases is considered unreliable, as metrics indicate poor data quality at this position in the gnomAD database. This variant has not been reported in the literature in individuals affected with SDCCAG8-related conditions. For these reasons, this variant has been classified as Pathogenic.

PreventionGenetics, part of Exact Sciences
Classification: Likely pathogenic for SDCCAG8-related condition. Last evaluated: 2024-06-30. Review status: no assertion criteria provided. Collection method: clinical testing. Allele origin: germline. Not counted in ClinVar's aggregate classification.
Comment: The SDCCAG8 c.511G>T variant is predicted to result in premature protein termination (p.Glu171*). To our knowledge, this variant has not been reported in the literature. This variant is reported in 0.0065% of alleles in individuals of European (Non-Finnish) descent in gnomAD. Nonsense variants in SDCCAG8 are expected to be pathogenic. This variant is interpreted as likely pathogenic.

Literature cited by the submitters: PubMed 20835237 (cited by Labcorp Genetics (formerly Invitae), Labcorp); PubMed 22190896 (cited by Labcorp Genetics (formerly Invitae), Labcorp).